The following is an entry in ClinVar:

ClinVar aggregate classification (germline): Uncertain significance. Review status: criteria provided, multiple submitters, no conflicts (2 of 4 stars). 4 submissions from 4 submitters: Uncertain significance (3). 1 of the submissions does not count toward it. Last evaluated 2025-03-03.

Conditions:
Alstrom syndrome (ALMS). Identifiers: Orphanet 64, MedGen C0268425, MONDO:0008763, OMIM 203800.
Cardiovascular phenotype. Identifiers: MedGen CN230736.

Allele frequency attached by ClinVar (database versions not stated): gnomAD 0.00001; gnomAD exomes 0.00001; TOPMed 0.00001; ExAC 0.00002.
gnomAD v4.1: 5 of 1,613,278 alleles (0.00031%); highest among the groups gnomAD compares: Admixed American, 0.005%; no homozygotes.

Submissions (4):

Labcorp Genetics (formerly Invitae), Labcorp
Classification: Uncertain significance for Alstrom syndrome. Last evaluated: 2025-03-03. Review status: criteria provided, single submitter. Criteria: Invitae Variant Classification Sherloc (09022015). Collection method: clinical testing. Allele origin: germline.
Comment: This sequence change replaces glutamic acid, which is acidic and polar, with glutamine, which is neutral and polar, at codon 1455 of the ALMS1 protein (p.Glu1455Gln). This variant is present in population databases (rs768816557, gnomAD 0.009%). This variant has not been reported in the literature in individuals affected with ALMS1-related conditions. ClinVar contains an entry for this variant (Variation ID: 1035428). Experimental studies and prediction algorithms are not available or were not evaluated, and the functional significance of this variant is currently unknown. In summary, the available evidence is currently insufficient to determine the role of this variant in disease. Therefore, it has been classified as a Variant of Uncertain Significance.

Fulgent Genetics
Classification: Uncertain significance for Alstrom syndrome. Last evaluated: 2021-09-17. Review status: criteria provided, single submitter. Criteria: ACMG Guidelines, 2015. Collection method: clinical testing. Allele origin: unknown.

Ambry Genetics
Classification: Uncertain significance for Cardiovascular phenotype. Last evaluated: 2019-12-19. Review status: criteria provided, single submitter. Criteria: Ambry Variant Classification Scheme 2023. Collection method: clinical testing. Allele origin: germline.
Comment: The p.E1455Q variant (also known as c.4363G>C), located in coding exon 8 of the ALMS1 gene, results from a G to C substitution at nucleotide position 4363. The glutamic acid at codon 1455 is replaced by glutamine, an amino acid with highly similar properties. This amino acid position is poorly conserved in available vertebrate species. In addition, this alteration is predicted to be tolerated by in silico analysis. Since supporting evidence is limited at this time, the clinical significance of this alteration remains unclear.

Natera, Inc.
Classification: Uncertain significance for Alstrom syndrome. Last evaluated: 2020-05-19. Review status: no assertion criteria provided. Collection method: clinical testing. Allele origin: germline. Not counted in ClinVar's aggregate classification.

NM_001378454.1(ALMS1):c.4360G>C (p.Glu1454Gln)

Gene: ALMS1 (ALMS1 centrosome and basal body associated protein; plus strand). Cytogenetic location: 2p13.1.
Variant type: single nucleotide variant.
Coding change: c.4360G>C on transcript NM_001378454.1 (MANE Select); coding-DNA position 4360, G replaced by C.
Protein change: p.Glu1454Gln; replaces glutamic acid 1454 with glutamine.
Molecular consequence: missense variant.
Genome position (GRCh38, 1-based): chr2:73,450,887, G>C. VCF-style: chr2-73450887-G-C. GRCh37 (hg19) VCF-style: chr2-73678014-G-C.
Other names: c.4363G>C, p.Glu1455Gln (NM_015120.4); short protein forms E1454Q, E1455Q.
Identifiers: ClinVar variation 1035428 (VCV001035428.11), dbSNP rs768816557, ClinGen allele CA1713696.